The following is an entry in ClinVar:

ClinVar aggregate classification (germline): Uncertain significance (1 of 4 stars; one submission).

Allele frequency attached by ClinVar (database versions not stated): gnomAD exomes below 0.00001.
gnomAD v4.1: 1 of 1,613,324 alleles (0.000062%); highest among the groups gnomAD compares: Admixed American, 0.0017%; no homozygotes.

Submission:

Labcorp Genetics (formerly Invitae), Labcorp
Classification: Uncertain significance. Last evaluated: 2024-04-10. Review status: criteria provided, single submitter. Criteria: Invitae Variant Classification Sherloc (09022015). Collection method: clinical testing. Allele origin: germline.
Comment: This sequence change replaces isoleucine, which is neutral and non-polar, with threonine, which is neutral and polar, at codon 196 of the A4GALT protein (p.Ile196Thr). This variant is present in population databases (no rsID available, gnomAD 0.003%). This variant has not been reported in the literature in individuals affected with A4GALT-related conditions. ClinVar contains an entry for this variant (Variation ID: 2032708). An algorithm developed to predict the effect of missense changes on protein structure and function (PolyPhen-2) suggests that this variant is likely to be disruptive. In summary, the available evidence is currently insufficient to determine the role of this variant in disease. Therefore, it has been classified as a Variant of Uncertain Significance.

NM_017436.7(A4GALT):c.587T>C (p.Ile196Thr)

Gene: A4GALT (alpha 1,4-galactosyltransferase (P1PK blood group); minus strand). Cytogenetic location: 22q13.2.
Variant type: single nucleotide variant.
Coding change: c.587T>C on transcript NM_017436.7 (MANE Select); coding-DNA position 587, T replaced by C.
Protein change: p.Ile196Thr; replaces isoleucine 196 with threonine.
Molecular consequence: missense variant.
Genome position (GRCh38, 1-based): chr22:42,693,365, A>G on the plus strand (T>C on the coding strand, the complement: A4GALT is on the minus strand). VCF-style: chr22-42693365-A-G. GRCh37 (hg19) VCF-style: chr22-43089371-A-G.
Other names: c.587T>C, p.Ile196Thr (NM_001318038.3); short protein forms I196T.
Identifiers: ClinVar variation 2032708 (VCV002032708.4), dbSNP rs1454839506, ClinGen allele CA411812038.